The following is an entry in ClinVar:

NM_001854.4(COL11A1):c.1412G>C (p.Arg471Thr)

Gene: COL11A1 (collagen type XI alpha 1 chain; minus strand). Cytogenetic location: 1p21.1.
Variant type: single nucleotide variant.
Coding change: c.1412G>C on transcript NM_001854.4 (MANE Select); coding-DNA position 1412, G replaced by C.
Protein change: p.Arg471Thr; replaces arginine 471 with threonine.
Molecular consequence: missense variant. On other transcripts: non-coding transcript variant (1).
Genome position (GRCh38, 1-based): chr1:103,017,821, C>G on the plus strand (G>C on the coding strand, the complement: COL11A1 is on the minus strand). VCF-style: chr1-103017821-C-G. GRCh37 (hg19) VCF-style: chr1-103483377-C-G.
Other names: c.1295G>C, p.Arg432Thr (NM_001190709.2); c.1448G>C, p.Arg483Thr (NM_080629.3); c.1064G>C, p.Arg355Thr (NM_080630.4); short protein forms R471T, R355T, R432T, R483T.
Identifiers: ClinVar variation 1466899 (VCV001466899.8), dbSNP rs2101914738, ClinGen allele CA341179609.

ClinVar aggregate classification (germline): Uncertain significance (1 of 4 stars; one submission).

Submission:

Labcorp Genetics (formerly Invitae), Labcorp
Classification: Uncertain significance. Last evaluated: 2024-10-22. Review status: criteria provided, single submitter. Criteria: Invitae Variant Classification Sherloc (09022015). Collection method: clinical testing. Allele origin: germline.
Comment: This sequence change replaces arginine, which is basic and polar, with threonine, which is neutral and polar, at codon 471 of the COL11A1 protein (p.Arg471Thr). This variant is not present in population databases (gnomAD no frequency). This variant has not been reported in the literature in individuals affected with COL11A1-related conditions. ClinVar contains an entry for this variant (Variation ID: 1466899). An algorithm developed to predict the effect of missense changes on protein structure and function (PolyPhen-2) suggests that this variant is likely to be disruptive. In summary, the available evidence is currently insufficient to determine the role of this variant in disease. Therefore, it has been classified as a Variant of Uncertain Significance.